The following is an entry in ClinVar:

NM_001927.4(DES):c.643G>C (p.Val215Leu)

Gene: DES (desmin; plus strand). Cytogenetic location: 2q35.
Variant type: single nucleotide variant.
Coding change: c.643G>C on transcript NM_001927.4 (MANE Select); coding-DNA position 643, G replaced by C.
Protein change: p.Val215Leu; replaces valine 215 with leucine.
Molecular consequence: missense variant. On other transcripts: intron variant (1).
Genome position (GRCh38, 1-based): chr2:219,420,254, G>C. VCF-style: chr2-219420254-G-C. GRCh37 (hg19) VCF-style: chr2-220284976-G-C.
Other names: c.640G>C, p.Val214Leu (NM_001382708.1); c.643G>C, p.Val215Leu (NM_001382709.1, NM_001382710.1, NM_001382711.1 and 1 more transcripts); c.496-271G>C (NM_001382713.1); short protein forms V215L, V214L.
Identifiers: ClinVar variation 2128647 (VCV002128647.4), dbSNP rs144908941, ClinGen allele CA350690152.

ClinVar aggregate classification (germline): Uncertain significance (1 of 4 stars; one submission).

Conditions:
Desmin-related myofibrillar myopathy (MFM1). Also called: Desminopathy; MYOFIBRILLAR MYOPATHY WITH ARRHYTHMOGENIC RIGHT VENTRICULAR CARDIOMYOPATHY; DESMIN-RELATED MYOPATHY WITH ARRHYTHMOGENIC RIGHT VENTRICULAR CARDIOMYOPATHY; Desmin related myopathy (former name); Desmin storage myopathy (former name); Myofibrillar myopathy 1. Identifiers: Orphanet 363543, Orphanet 98909, MedGen C1832370, MONDO:0011076, OMIM 601419.

Submission:

Labcorp Genetics (formerly Invitae), Labcorp
Classification: Uncertain significance for Desmin-related myofibrillar myopathy. Last evaluated: 2022-04-22. Review status: criteria provided, single submitter. Criteria: Invitae Variant Classification Sherloc (09022015). Collection method: clinical testing. Allele origin: germline.
Comment: In summary, the available evidence is currently insufficient to determine the role of this variant in disease. Therefore, it has been classified as a Variant of Uncertain Significance. Algorithms developed to predict the effect of missense changes on protein structure and function are either unavailable or do not agree on the potential impact of this missense change (SIFT: "Tolerated"; PolyPhen-2: "Possibly Damaging"; Align-GVGD: "Class C0"). This variant has not been reported in the literature in individuals affected with DES-related conditions. This variant is not present in population databases (gnomAD no frequency). This sequence change replaces valine, which is neutral and non-polar, with leucine, which is neutral and non-polar, at codon 215 of the DES protein (p.Val215Leu).